The following is an entry in ClinVar:

NM_004006.3(DMD):c.7070C>A (p.Pro2357Gln)

Gene: DMD (dystrophin; minus strand). Cytogenetic location: Xp21.1.
Variant type: single nucleotide variant.
Coding change: c.7070C>A on transcript NM_004006.3 (MANE Select); coding-DNA position 7070, C replaced by A.
Protein change: p.Pro2357Gln; replaces proline 2357 with glutamine.
Molecular consequence: missense variant. On other transcripts: 5 prime UTR variant (5).
Genome position (GRCh38, 1-based): chrX:31,875,216, G>T on the plus strand (C>A on the coding strand, the complement: DMD is on the minus strand). VCF-style: chrX-31875216-G-T. GRCh37 (hg19) VCF-style: chrX-31893333-G-T.
Other names: c.7046C>A, p.Pro2349Gln (NM_000109.4); c.7058C>A, p.Pro2353Gln (NM_004009.3); c.6701C>A, p.Pro2234Gln (NM_004010.3); c.3047C>A, p.Pro1016Gln (NM_004011.4); c.3038C>A, p.Pro1013Gln (NM_004012.4); c.-311C>A (NM_004013.3, NM_004020.4, NM_004021.3 and 2 more transcripts); short protein forms P1013Q, P1016Q, P2349Q, P2234Q, P2353Q, P2357Q.
Identifiers: ClinVar variation 1387052 (VCV001387052.8), dbSNP rs1448590525, ClinGen allele CA412659918.
Genomic context (GRCh38, chrX:31,875,216, plus strand): 5'-GACAAAAATATTTAAAGCAAAAAGTTCCCTACCTTAACGTCAAATGGTCCTTCTTGGTTT[G>T]GTTGGTTATAAATTTCCAACTGATTCCTAATAGGAGATAACCACAGCAGCAGATGATTTA-3'
Protein context (NP_003997.2, residues 2347-2367): IRNQLEIYNQ[Pro2357Gln]NQEGPFDVKE

ClinVar aggregate classification (germline): Uncertain significance (1 of 4 stars; one submission).

Conditions:
Duchenne muscular dystrophy (DMD). Also called: MUSCULAR DYSTROPHY, PSEUDOHYPERTROPHIC PROGRESSIVE, DUCHENNE TYPE; Duchenne Muscular Dystrophy (DMD). Identifiers: Orphanet 98896, MedGen C0013264, MONDO:0010679, OMIM 310200.

Allele frequency attached by ClinVar (database versions not stated): gnomAD exomes 0.00001.
gnomAD v4.1: 10 of 1,202,109 alleles (0.00083%); highest among the groups gnomAD compares: Non-Finnish European, 0.001%; no homozygotes.

Submission:

Labcorp Genetics (formerly Invitae), Labcorp
Classification: Uncertain significance for Duchenne muscular dystrophy. Last evaluated: 2025-07-09. Review status: criteria provided, single submitter. Criteria: Invitae Variant Classification Sherloc (09022015). Collection method: clinical testing. Allele origin: germline.
Comment: This sequence change replaces proline, which is neutral and non-polar, with glutamine, which is neutral and polar, at codon 2357 of the DMD protein (p.Pro2357Gln). The frequency data for this variant in the population databases is considered unreliable, as metrics indicate poor data quality at this position in the gnomAD database. This variant has not been reported in the literature in individuals affected with DMD-related conditions. ClinVar contains an entry for this variant (Variation ID: 1387052). Invitae Evidence Modeling of protein sequence and biophysical properties (such as structural, functional, and spatial information, amino acid conservation, physicochemical variation, residue mobility, and thermodynamic stability) indicates that this missense variant is not expected to disrupt DMD protein function with a negative predictive value of 95%. In summary, the available evidence is currently insufficient to determine the role of this variant in disease. Therefore, it has been classified as a Variant of Uncertain Significance.